The following is an entry in ClinVar:

NM_000257.4(MYH7):c.2180C>T (p.Pro727Leu)

Gene: MYH7 (myosin heavy chain 7; minus strand). Cytogenetic location: 14q11.2.
Variant type: single nucleotide variant.
Coding change: c.2180C>T on transcript NM_000257.4 (MANE Select); coding-DNA position 2180, C replaced by T.
Protein change: p.Pro727Leu; replaces proline 727 with leucine.
Molecular consequence: missense variant.
Genome position (GRCh38, 1-based): chr14:23,425,801, G>A on the plus strand (C>T on the coding strand, the complement: MYH7 is on the minus strand). VCF-style: chr14-23425801-G-A. GRCh37 (hg19) VCF-style: chr14-23895010-G-A.
Other names: c.2180C>T, p.Pro727Leu (NM_001407004.1); short protein forms P727L.
Identifiers: ClinVar variation 4756911 (VCV004756911.1).

ClinVar aggregate classification (germline): Uncertain significance (1 of 4 stars; one submission).

Conditions:
Cardiomyopathy (CMYO). Also called: Cardiomyopathies. Identifiers: Orphanet 167848, MedGen C0878544, MONDO:0004994, HP:0001638. Inheritance: Various modes of inheritance.

Submission:

Color Diagnostics, LLC DBA Color Health
Classification: Uncertain significance for Cardiomyopathy. Last evaluated: 2025-06-25. Review status: criteria provided, single submitter. Criteria: ACMG Guidelines, 2015. Collection method: clinical testing. Allele origin: germline.
Comment: This missense variant replaces proline with leucine at codon 727 of the MYH7 protein. This variant is found within a highly conserved region of the myosin head domain. Missense variants in this region have been shown to be significantly overrepresented in individuals with affected with hypertrophic cardiomyopathy (PMID: 27532257). Computational prediction suggests that this variant may have deleterious impact on protein structure and function. To our knowledge, functional studies have not been reported for this variant. This variant has not been reported in individuals affected with MYH7-related disorders in the literature. This variant has not been identified in the general population by the Genome Aggregation Database (gnomAD). The available evidence is insufficient to determine the role of this variant in disease conclusively. Therefore, this variant is classified as a Variant of Uncertain Significance.

Literature cited by the submitters: PubMed 27532257.